The following is an entry in ClinVar:

ClinVar aggregate classification (germline): Uncertain significance. Review status: criteria provided, multiple submitters, no conflicts (2 of 4 stars). 2 submissions from 2 submitters: Uncertain significance (2). Last evaluated 2025-05-17.

Conditions:
Hereditary cancer-predisposing syndrome. Also called: Neoplastic Syndromes, Hereditary; Tumor predisposition; Hereditary neoplastic syndrome; Hereditary Cancer Syndrome. Identifiers: Orphanet 140162, MedGen C0027672, MeSH D009386, MONDO:0015356.
Familial adenomatous polyposis 1 (FAP1). Also called: FAMILIAL ADENOMATOUS POLYPOSIS 1, ATTENUATED; POLYPOSIS, ADENOMATOUS INTESTINAL. Identifiers: MedGen C2713442, MONDO:0021056, OMIM 175100. Disease mechanism: loss of function.

Submissions (2):

Ambry Genetics
Classification: Uncertain significance for Hereditary cancer-predisposing syndrome. Last evaluated: 2025-05-17. Review status: criteria provided, single submitter. Criteria: Ambry Variant Classification Scheme 2023. Collection method: clinical testing. Allele origin: germline.
Comment: The p.Q1529R variant (also known as c.4586A>G), located in coding exon 15 of the APC gene, results from an A to G substitution at nucleotide position 4586. The glutamine at codon 1529 is replaced by arginine, an amino acid with highly similar properties. This amino acid position is conserved. In addition, in silico predictors for this gene do not accurately predict pathogenicity. Based on the available evidence, the clinical significance of this variant remains unclear.

Labcorp Genetics (formerly Invitae), Labcorp
Classification: Uncertain significance for Familial adenomatous polyposis 1. Last evaluated: 2018-07-15. Review status: criteria provided, single submitter. Criteria: Invitae Variant Classification Sherloc (09022015). Collection method: clinical testing. Allele origin: germline.
Comment: Algorithms developed to predict the effect of missense changes on protein structure and function (SIFT, PolyPhen-2, Align-GVGD) all suggest that this variant is likely to be tolerated, but these predictions have not been confirmed by published functional studies and their clinical significance is uncertain. This sequence change replaces glutamine with arginine at codon 1529 of the APC protein (p.Gln1529Arg). The glutamine residue is moderately conserved and there is a small physicochemical difference between glutamine and arginine. This variant is not present in population databases (ExAC no frequency). This variant has not been reported in the literature in individuals with APC-related disease. In summary, the available evidence is currently insufficient to determine the role of this variant in disease. Therefore, it has been classified as a Variant of Uncertain Significance.

NM_000038.6(APC):c.4586A>G (p.Gln1529Arg)

Gene: APC (APC regulator of Wnt signaling pathway; plus strand). Cytogenetic location: 5q22.2.
Variant type: single nucleotide variant.
Coding change: c.4586A>G on transcript NM_000038.6 (MANE Select); coding-DNA position 4586, A replaced by G.
Protein change: p.Gln1529Arg; replaces glutamine 1529 with arginine.
Molecular consequence: missense variant.
Genome position (GRCh38, 1-based): chr5:112,840,180, A>G. VCF-style: chr5-112840180-A-G. GRCh37 (hg19) VCF-style: chr5-112175877-A-G.
Other names: c.4586A>G, p.Gln1529Arg (NM_001127510.3, NM_001354895.2); c.4532A>G, p.Gln1511Arg (NM_001127511.3); c.4640A>G, p.Gln1547Arg (NM_001354896.2); c.4616A>G, p.Gln1539Arg (NM_001354897.2); c.4511A>G, p.Gln1504Arg (NM_001354898.2); c.4502A>G, p.Gln1501Arg (NM_001354899.2); c.4463A>G, p.Gln1488Arg (NM_001354900.2); c.4409A>G, p.Gln1470Arg (NM_001354901.2); and 5 more; short protein forms Q1403R, Q1428R, Q1438R, Q1501R, Q1529R, Q1547R, Q1470R, Q1488R.
Identifiers: ClinVar variation 644462 (VCV000644462.11), dbSNP rs1580649952, ClinGen allele CA16031373.